The following is an entry in ClinVar:

ClinVar aggregate classification (germline): Benign (1 of 4 stars; one submission).

Conditions:
Colorectal cancer, susceptibility to, 1. Also called: COLORECTAL ADENOMA AND CANCER, SUSCEPTIBILITY TO; COLORECTAL CANCER, SUSCEPTIBILITY TO, ON CHROMOSOME 9. Identifiers: MedGen C1837315, MONDO:0012132, OMIM 608812.

Submission:

Myriad Genetics, Inc.
Classification: Benign for Colorectal cancer, susceptibility to, 1. Last evaluated: 2026-04-23. Review status: criteria provided, single submitter. Criteria: Myriad Autosomal Dominant, Autosomal Recessive and X-Linked Classification Criteria (2023). Collection method: clinical testing. Allele origin: unknown.
Comment: This variant is considered benign. This variant is a silent/synonymous amino acid change and it is not expected to impact splicing.

NM_024642.5(GALNT12):c.393T>C (p.Asp131=)

Gene: GALNT12 (polypeptide N-acetylgalactosaminyltransferase 12; plus strand). Cytogenetic location: 9q22.33.
Variant type: single nucleotide variant.
Coding change: c.393T>C on transcript NM_024642.5 (MANE Select); coding-DNA position 393, T replaced by C.
Protein change: p.Asp131=; no amino-acid change (aspartic acid 131 retained).
Molecular consequence: synonymous variant.
Genome position (GRCh38, 1-based): chr9:98,823,277, T>C. VCF-style: chr9-98823277-T-C. GRCh37 (hg19) VCF-style: chr9-101585559-T-C.
Identifiers: ClinVar variation 4875681 (VCV004875681.1).